The following is an entry in ClinVar:

ClinVar aggregate classification (germline): Conflicting classifications of pathogenicity. Review status: criteria provided, conflicting classifications (1 of 4 stars). 4 submissions from 4 submitters: Uncertain significance (1); Benign (1); Likely benign (2). Last evaluated 2025-04-08.

Allele frequency attached by ClinVar (database versions not stated): 1000 Genomes Project 0.00080; 1000 Genomes Project 30x 0.00125.
gnomAD v4.1: 225 of 926,554 alleles (0.024%); highest among the groups gnomAD compares: East Asian, 0.33%; no homozygotes.

Submissions (4):

Labcorp Genetics (formerly Invitae), Labcorp
Classification: Likely benign. Last evaluated: 2025-04-08. Review status: criteria provided, single submitter. Criteria: Invitae Variant Classification Sherloc (09022015). Collection method: clinical testing. Allele origin: germline.

GeneDx
Classification: Uncertain significance. Last evaluated: 2025-02-26. Review status: criteria provided, single submitter. Criteria: GeneDx Variant Classification Process June 2021. Collection method: clinical testing. Allele origin: germline. Affected: yes.
Comment: Published functional studies have been reported in published literature, however, the biological significance of the results are unclear (PMID: 10333057); This variant is associated with the following publications: (PMID: 25910213, 23348805, 11463573, 29625052, 36451132, 10333057)

Blueprint Genetics
Classification: Likely benign. Last evaluated: 2024-10-03. Review status: criteria provided, single submitter. Criteria: ACMG Guidelines, 2015. Collection method: clinical testing. Allele origin: germline.

Mendelics
Classification: Benign. Last evaluated: 2022-05-04. Review status: criteria provided, single submitter. Criteria: Mendelics Assertion Criteria 2019. Collection method: clinical testing. Allele origin: germline.

NM_000545.8(HNF1A):c.-124G>C

Gene: HNF1A (HNF1 homeobox A; plus strand). Cytogenetic location: 12q24.31.
Variant type: single nucleotide variant.
Coding change: c.-124G>C on transcript NM_000545.8 (MANE Select); 124 bases upstream of the start codon, G replaced by C.
Molecular consequence: 5 prime UTR variant.
Genome position (GRCh38, 1-based): chr12:120,978,645, G>C. VCF-style: chr12-120978645-G-C. GRCh37 (hg19) VCF-style: chr12-121416448-G-C.
Other names: c.-124G>C (NM_001306179.2).
Identifiers: ClinVar variation 1320426 (VCV001320426.11), dbSNP rs563304627, ClinGen allele CA6831607.